The following is an entry in ClinVar:

ClinVar aggregate classification (germline): Uncertain significance (1 of 4 stars; one submission).

Conditions:
Alstrom syndrome (ALMS). Identifiers: Orphanet 64, MedGen C0268425, MONDO:0008763, OMIM 203800.

Allele frequency attached by ClinVar (database versions not stated): gnomAD exomes below 0.00001.
gnomAD v4.1: 1 of 1,613,840 alleles (0.000062%); highest among the groups gnomAD compares: African/African-American, 0.0013%; no homozygotes.

Submission:

Labcorp Genetics (formerly Invitae), Labcorp
Classification: Uncertain significance for Alstrom syndrome. Last evaluated: 2023-07-31. Review status: criteria provided, single submitter. Criteria: Invitae Variant Classification Sherloc (09022015). Collection method: clinical testing. Allele origin: germline.
Comment: This sequence change replaces glutamic acid, which is acidic and polar, with lysine, which is basic and polar, at codon 4129 of the ALMS1 protein (p.Glu4129Lys). This variant is not present in population databases (gnomAD no frequency). This variant has not been reported in the literature in individuals affected with ALMS1-related conditions. Experimental studies and prediction algorithms are not available or were not evaluated, and the functional significance of this variant is currently unknown. In summary, the available evidence is currently insufficient to determine the role of this variant in disease. Therefore, it has been classified as a Variant of Uncertain Significance.

NM_001378454.1(ALMS1):c.12382G>A (p.Glu4128Lys)

Gene: ALMS1 (ALMS1 centrosome and basal body associated protein; plus strand). Cytogenetic location: 2p13.1.
Variant type: single nucleotide variant.
Coding change: c.12382G>A on transcript NM_001378454.1 (MANE Select); coding-DNA position 12382, G replaced by A.
Protein change: p.Glu4128Lys; replaces glutamic acid 4128 with lysine.
Molecular consequence: missense variant.
Genome position (GRCh38, 1-based): chr2:73,608,494, G>A. VCF-style: chr2-73608494-G-A. GRCh37 (hg19) VCF-style: chr2-73835621-G-A.
Other names: c.12385G>A, p.Glu4129Lys (NM_015120.4); short protein forms E4128K, E4129K.
Identifiers: ClinVar variation 2955700 (VCV002955700.3), dbSNP rs2466540744, ClinGen allele CA347274607.